The following is an entry in ClinVar:

ClinVar aggregate classification (germline): Uncertain significance (1 of 4 stars; one submission).

Allele frequency attached by ClinVar (database versions not stated): gnomAD exomes below 0.00001; gnomAD 0.00001; TOPMed 0.00002.
gnomAD v4.1: 3 of 1,610,640 alleles (0.00019%); highest among the groups gnomAD compares: African/African-American, 0.004%; no homozygotes.

Submission:

Ambry Genetics
Classification: Uncertain significance. Last evaluated: 2022-12-16. Review status: criteria provided, single submitter. Criteria: Ambry Variant Classification Scheme 2023. Collection method: clinical testing. Allele origin: germline.
Comment: The p.T209I variant (also known as c.626C>T), located in coding exon 7 of the PRKDC gene, results from a C to T substitution at nucleotide position 626. The threonine at codon 209 is replaced by isoleucine, an amino acid with similar properties. This amino acid position is conserved. In addition, this alteration is predicted to be tolerated by in silico analysis. Since supporting evidence is limited at this time, the clinical significance of this alteration remains unclear.

NM_006904.7(PRKDC):c.626C>T (p.Thr209Ile)

Gene: PRKDC (protein kinase, DNA-activated, catalytic subunit; minus strand). Cytogenetic location: 8q11.21.
Variant type: single nucleotide variant.
Coding change: c.626C>T on transcript NM_006904.7 (MANE Select); coding-DNA position 626, C replaced by T.
Protein change: p.Thr209Ile; replaces threonine 209 with isoleucine.
Molecular consequence: missense variant.
Genome position (GRCh38, 1-based): chr8:47,953,715, G>A on the plus strand (C>T on the coding strand, the complement: PRKDC is on the minus strand). VCF-style: chr8-47953715-G-A. GRCh37 (hg19) VCF-style: chr8-48866275-G-A.
Other names: c.626C>T, p.Thr209Ile (NM_001081640.2); short protein forms T209I.
Identifiers: ClinVar variation 2453293 (VCV002453293.2), dbSNP rs961172863, ClinGen allele CA176150422.